The following is an entry in ClinVar:

ClinVar aggregate classification (germline): Likely benign (1 of 4 stars; one submission).

gnomAD v4.1: 16 of 1,614,068 alleles (0.00099%); highest among the groups gnomAD compares: Middle Eastern, 0.016%; no homozygotes.

Submission:

CeGaT Center for Human Genetics Tuebingen
Classification: Likely benign. Last evaluated: 2026-09-01. Review status: criteria provided, single submitter. Criteria: CeGaT Center For Human Genetics Tuebingen Variant Classification Criteria Version 2. Collection method: clinical testing. Allele origin: germline. Affected: yes. Observed: 1 variant allele.
Comment: NALCN: BP4, BP7

NM_052867.4(NALCN):c.3852C>T (p.Gly1284=)

Gene: NALCN (sodium leak channel, non-selective; minus strand). Cytogenetic location: 13q32.3.
Variant type: single nucleotide variant.
Coding change: c.3852C>T on transcript NM_052867.4 (MANE Select); coding-DNA position 3852, C replaced by T.
Protein change: p.Gly1284=; no amino-acid change (glycine 1284 retained).
Molecular consequence: synonymous variant.
Genome position (GRCh38, 1-based): chr13:101,081,560, G>A on the plus strand (C>T on the coding strand, the complement: NALCN is on the minus strand). VCF-style: chr13-101081560-G-A. GRCh37 (hg19) VCF-style: chr13-101733911-G-A.
Other names: c.3939C>T, p.Gly1313= (NM_001350748.2); c.3852C>T, p.Gly1284= (NM_001350749.2); c.3765C>T, p.Gly1255= (NM_001350750.2, NM_001350751.2).
Identifiers: ClinVar variation 5041352 (VCV005041352.1).
Genomic context (GRCh38, chr13:101,081,560, plus strand): 5'-TGAAATCAACTTGACTTCTATGCTTACCAGGAGGGCAAAGTGAAGCACCACCCATACAAC[G>A]CCAAGCGACGTCACCAGGAGATCGTATCGGTTTCTTCTGCTTTGCCAGAAGCCAGCAGGC-3'
Protein context (NP_443099.1, residues 1274-1294): NRYDLLVTSL[Gly1284=]VVWVVLHFAL